The following is an entry in ClinVar:

ClinVar aggregate classification (germline): Conflicting classifications of pathogenicity. Review status: criteria provided, conflicting classifications (1 of 4 stars). 3 submissions from 3 submitters: Uncertain significance (2); Likely benign (1). Last evaluated 2026-01-05.

Conditions:
Ehlers-Danlos syndrome, dermatosparaxis type. Also called: Dermatosparaxis; EDS VIIC; Ehlers-Danlos syndrome, type VII, autosomal recessive. Identifiers: Orphanet 1901, MedGen C2700425, MONDO:0009161, OMIM 225410.

Submissions (3):

Women's Health and Genetics/Laboratory Corporation of America, LabCorp
Classification: Uncertain significance. Last evaluated: 2026-01-05. Review status: criteria provided, single submitter. Criteria: LabCorp Variant Classification Summary - May 2015. Collection method: clinical testing. Allele origin: germline.
Comment: Variant summary: ADAMTS2 c.62_70dupTGCTGCTGC (p.Leu21_Leu23dup) results in an in-frame duplication that is predicted to duplicate three amino acids into the encoded protein. The frequency data for this variant in gnomAD is considered unreliable, as metrics indicate poor data quality at this position. To our knowledge, no occurrence of c.62_70dupTGCTGCTGC in individuals affected with ADAMTS2-related conditions and no experimental evidence demonstrating its impact on protein function have been reported. ClinVar contains an entry for this variant (Variation ID: 515946). Based on the evidence outlined above, the variant was classified as uncertain significance.

GeneDx
Classification: Likely benign. Last evaluated: 2023-02-11. Review status: criteria provided, single submitter. Criteria: GeneDx Variant Classification Process June 2021. Collection method: clinical testing. Allele origin: germline. Affected: yes.
Comment: See Variant Classification Assertion Criteria.

Labcorp Genetics (formerly Invitae), Labcorp
Classification: Uncertain significance for Ehlers-Danlos syndrome, dermatosparaxis type. Last evaluated: 2022-03-13. Review status: criteria provided, single submitter. Criteria: Invitae Variant Classification Sherloc (09022015). Collection method: clinical testing. Allele origin: germline.
Comment: This variant, c.62_70dup, results in the insertion of 3 amino acid(s) of the ADAMTS2 protein (p.Leu21_Leu23dup), but otherwise preserves the integrity of the reading frame. The frequency data for this variant in the population databases is considered unreliable, as metrics indicate poor data quality at this position in the gnomAD database. This variant has not been reported in the literature in individuals affected with ADAMTS2-related conditions. Experimental studies and prediction algorithms are not available or were not evaluated, and the functional significance of this variant is currently unknown. In summary, the available evidence is currently insufficient to determine the role of this variant in disease. Therefore, it has been classified as a Variant of Uncertain Significance.

NM_014244.5(ADAMTS2):c.47TGC[11] (p.Leu21_Leu23dup)

Gene: ADAMTS2 (ADAM metallopeptidase with thrombospondin type 1 motif 2; minus strand). Cytogenetic location: 5q35.3.
Variant type: Microsatellite.
Coding change: c.47TGC[11] on transcript NM_014244.5 (MANE Select); 11 copies in a row of the 3-base unit TGC starting at c.47; the reference has eight copies in a row; three copies, 9 bases duplicated; also written c.62_70dup.
Protein change: p.Leu21_Leu23dup.
Molecular consequence: inframe insertion.
Genome position (GRCh38, 1-based): chr5:179,345,259-179,345,267, GCAGCAGCA duplicated on the plus strand (TGCTGCTGC on the coding strand, the reverse complement: ADAMTS2 is on the minus strand); duplicating any 9 consecutive bases within chr5:179,345,259-179,345,284 gives the same sequence; the position shown is the placement nearest the transcript's 3' end. VCF-style (leftmost placement, unchanged base first): chr5-179345258-G-GGCAGCAGCA. GRCh37 (hg19) VCF-style: chr5-178772259-G-GGCAGCAGCA.
Other names: c.47TGC[11], p.Leu21_Leu23dup (NM_021599.4); c.62_70dupTGCTGCTGC (NM_014244.5); c.62_70dup (NM_014244.4).
Identifiers: ClinVar variation 515946 (VCV000515946.7), dbSNP rs568040559, ClinGen allele CA565121232.